The following is an entry in ClinVar:

NM_015450.3(POT1):c.1878C>G (p.Asp626Glu)

Gene: POT1 (protection of telomeres 1; minus strand). Cytogenetic location: 7q31.33.
Variant type: single nucleotide variant.
Coding change: c.1878C>G on transcript NM_015450.3 (MANE Select); coding-DNA position 1878, C replaced by G.
Protein change: p.Asp626Glu; replaces aspartic acid 626 with glutamic acid.
Molecular consequence: missense variant. On other transcripts: non-coding transcript variant (3).
Genome position (GRCh38, 1-based): chr7:124,823,989, G>C on the plus strand (C>G on the coding strand, the complement: POT1 is on the minus strand). VCF-style: chr7-124823989-G-C. GRCh37 (hg19) VCF-style: chr7-124464043-G-C.
Other names: c.1485C>G, p.Asp495Glu (NM_001042594.2); short protein forms D626E, D495E.
Identifiers: ClinVar variation 2130189 (VCV002130189.4), dbSNP rs1486254989, ClinGen allele CA369061101.
Genomic context (GRCh38, chr7:124,823,989, plus strand): 5'-AACATTTTATGTATGCTAAATTGGATGGCAATATTAGATTACATCTTCTGCAACTGTGGT[G>C]TCAAAAATCTGATAGCAAATTTGATTATCTGTTCCATTTGTGACATTGTATGACTTGATG-3'
Protein context (NP_056265.2, residues 616-634): TDNQICYQIF[Asp626Glu]TTVAEDVI

ClinVar aggregate classification (germline): Uncertain significance (1 of 4 stars; one submission).

Conditions:
Tumor predisposition syndrome 3 (TPDS3). Also called: Melanoma, cutaneous malignant, susceptibility to, 10; Glioma susceptibility 9; LONG TELOMERE SYNDROME, POT1-RELATED; POT1 Tumor Predisposition. Identifiers: Orphanet 618, MedGen C4014476, MONDO:0014368, OMIM 615848.

Submission:

Labcorp Genetics (formerly Invitae), Labcorp
Classification: Uncertain significance for Tumor predisposition syndrome 3. Last evaluated: 2022-11-15. Review status: criteria provided, single submitter. Criteria: Invitae Variant Classification Sherloc (09022015). Collection method: clinical testing. Allele origin: germline.
Comment: In summary, the available evidence is currently insufficient to determine the role of this variant in disease. Therefore, it has been classified as a Variant of Uncertain Significance. Advanced modeling of protein sequence and biophysical properties (such as structural, functional, and spatial information, amino acid conservation, physicochemical variation, residue mobility, and thermodynamic stability) performed at Invitae indicates that this missense variant is not expected to disrupt POT1 protein function. This variant has not been reported in the literature in individuals affected with POT1-related conditions. This variant is not present in population databases (gnomAD no frequency). This sequence change replaces aspartic acid, which is acidic and polar, with glutamic acid, which is acidic and polar, at codon 626 of the POT1 protein (p.Asp626Glu).